The following is an entry in ClinVar:

ClinVar aggregate classification (germline): Pathogenic. Review status: criteria provided, multiple submitters, no conflicts (2 of 4 stars). 4 submissions from 4 submitters: Pathogenic (3). 1 of the submissions does not count toward it. Last evaluated 2025-02-05.

Conditions:
CNGA3-related disorders.
Achromatopsia 2 (ACHM2). Also called: ROD MONOCHROMACY 2; ROD MONOCHROMATISM 2; COLORBLINDNESS, TOTAL. Identifiers: Orphanet 49382, MedGen C1857618, MONDO:0009003, OMIM 216900.

Allele frequency attached by ClinVar (database versions not stated): ExAC 0.00001; gnomAD 0.00001; gnomAD exomes 0.00001 and 0.00003.
gnomAD v4.1: 43 of 1,613,984 alleles (0.0027%); highest among the groups gnomAD compares: South Asian, 0.0066%; no homozygotes.

Submissions (4):

SingHealth Duke-NUS Institute of Precision Medicine
Classification: Pathogenic for Achromatopsia 2. Last evaluated: 2025-02-05. Review status: criteria provided, single submitter. Criteria: PRISM ACMG Classification Criteria. Collection method: clinical testing. Allele origin: germline. Affected: yes.
Comment: Variant is located in a mutational hotspot where >50% of variants are pathogenic (PM1). Homozygous allele count is less than 0 in gnomAD exomes and genomes (PM2). REVEL score is 0.853 (PP3_mod). Prevalence of variant in affected patients is greatly increased compared to the general population (PS4). There is cosegregation with the disease phenotypes (PP1). Data suggests that this variant is likely to disrupt CNGA3 protein function. Compared to WT, this mutation results in increased cGMP sensitivity and activation of the heteromeric channels interfering with normal cone phototransduction, leading to the phenotype of achromatopsia (PS3, PMID: 18521937, 31290651).

Labcorp Genetics (formerly Invitae), Labcorp
Classification: Pathogenic. Last evaluated: 2025-01-06. Review status: criteria provided, single submitter. Criteria: Invitae Variant Classification Sherloc (09022015). Collection method: clinical testing. Allele origin: germline.
Comment: This sequence change replaces glutamic acid, which is acidic and polar, with lysine, which is basic and polar, at codon 590 of the CNGA3 protein (p.Glu590Lys). This variant is present in population databases (rs763041373, gnomAD 0.005%). This missense change has been observed in individuals with achromatopsia and cone-rod dystrophy (PMID: 15712225, 24903488, 26992781). ClinVar contains an entry for this variant (Variation ID: 800759). Invitae Evidence Modeling of protein sequence and biophysical properties (such as structural, functional, and spatial information, amino acid conservation, physicochemical variation, residue mobility, and thermodynamic stability) has been performed for this missense variant. However, the output from this modeling did not meet the statistical confidence thresholds required to predict the impact of this variant on CNGA3 protein function. Experimental studies have shown that this missense change affects CNGA3 function (PMID: 18521937). For these reasons, this variant has been classified as Pathogenic.

Blueprint Genetics
Classification: Pathogenic for CNGA3-related disorders. Last evaluated: 2024-01-12. Review status: criteria provided, single submitter. Criteria: ACMG Guidelines, 2015. Collection method: clinical testing. Allele origin: germline. Affected: yes. Observed: 5 variant alleles.

Biochemical Molecular Genetic Laboratory, King Abdulaziz Medical City
Classification: Pathogenic for Achromatopsia 2. Last evaluated: 2019-01-29. Review status: no assertion criteria provided. Collection method: clinical testing. Allele origin: germline. Affected: yes. Not counted in ClinVar's aggregate classification.

Literature cited by the submitters: PubMed 18521937 (cited by SingHealth Duke-NUS Institute of Precision Medicine and Labcorp Genetics (formerly Invitae), Labcorp); PubMed 31290651 (cited by SingHealth Duke-NUS Institute of Precision Medicine); PubMed 15712225 (cited by Labcorp Genetics (formerly Invitae), Labcorp); PubMed 24903488 (cited by Labcorp Genetics (formerly Invitae), Labcorp); PubMed 26992781 (cited by Labcorp Genetics (formerly Invitae), Labcorp).

NM_001298.3(CNGA3):c.1768G>A (p.Glu590Lys)

Gene: CNGA3 (cyclic nucleotide gated channel subunit alpha 3; plus strand). Cytogenetic location: 2q11.2.
Variant type: single nucleotide variant.
Coding change: c.1768G>A on transcript NM_001298.3 (MANE Select); coding-DNA position 1768, G replaced by A.
Protein change: p.Glu590Lys; replaces glutamic acid 590 with lysine.
Molecular consequence: missense variant.
Genome position (GRCh38, 1-based): chr2:98,396,938, G>A. VCF-style: chr2-98396938-G-A. GRCh37 (hg19) VCF-style: chr2-99013401-G-A.
Other names: c.1714G>A, p.Glu572Lys (NM_001079878.2); short protein forms E572K, E590K.
Identifiers: ClinVar variation 800759 (VCV000800759.8), dbSNP rs763041373, ClinGen allele CA1794087.